The following is an entry in ClinVar:

NM_024675.4(PALB2):c.770G>T (p.Gly257Val)

Gene: PALB2 (partner and localizer of BRCA2; minus strand). Cytogenetic location: 16p12.2.
Variant type: single nucleotide variant.
Coding change: c.770G>T on transcript NM_024675.4 (MANE Select); coding-DNA position 770, G replaced by T.
Protein change: p.Gly257Val; replaces glycine 257 with valine.
Molecular consequence: missense variant. On other transcripts: 5 prime UTR variant (8), intron variant (3).
Genome position (GRCh38, 1-based): chr16:23,635,776, C>A on the plus strand (G>T on the coding strand, the complement: PALB2 is on the minus strand). VCF-style: chr16-23635776-C-A. GRCh37 (hg19) VCF-style: chr16-23647097-C-A.
Other names: c.710G>T, p.Gly237Val (NM_001407296.1); c.770G>T, p.Gly257Val (NM_001407297.1, NM_001407298.1, NM_001407299.1 and 3 more transcripts); c.-116G>T (NM_001407304.1, NM_001407305.1, NM_001407306.1 and 5 more transcripts); c.48+5334G>T (NM_001407314.1); c.-104-5307G>T (NM_001407313.1, NM_001407312.1); short protein forms G237V, G257V.
Identifiers: ClinVar variation 3725496 (VCV003725496.3).
Genomic context (GRCh38, chr16:23,635,776, plus strand): 5'-TCGTGAGTAGTAAGTTCACTGCTACCTTTAGGAGGAATGTGTTCAAGGTGCTGACTACTA[C>A]CGCTATCTGATAGAGTCTGTAAAGGAACTGTAGTCGCCCTGGTGAAATTAGGTCTTCTTA-3'
Protein context (NP_078951.2, residues 247-267): TVPLQTLSDS[Gly257Val]SSQHLEHIPP

ClinVar aggregate classification (germline): Uncertain significance. Review status: criteria provided, multiple submitters, no conflicts (2 of 4 stars). 2 submissions from 2 submitters: Uncertain significance (2). Last evaluated 2026-07-06.

Conditions:
Familial cancer of breast. Also called: Hereditary breast cancer; BREAST CANCER, FAMILIAL; hereditary breast carcinoma. Identifiers: Orphanet 227535, MedGen C0346153, MONDO:0016419, OMIM 114480. Disease mechanism: loss of function.
Hereditary cancer-predisposing syndrome. Also called: Tumor predisposition; Hereditary neoplastic syndrome; Hereditary Cancer Syndrome; Neoplastic Syndromes, Hereditary. Identifiers: Orphanet 140162, MedGen C0027672, MeSH D009386, MONDO:0015356.

Submissions (2):

Ambry Genetics
Classification: Uncertain significance for Hereditary cancer-predisposing syndrome. Last evaluated: 2026-07-06. Review status: criteria provided, single submitter. Criteria: Ambry Variant Classification Scheme 2023. Collection method: clinical testing. Allele origin: germline.
Comment: The p.G257V variant (also known as c.770G>T), located in coding exon 4 of the PALB2 gene, results from a G to T substitution at nucleotide position 770. The glycine at codon 257 is replaced by valine, an amino acid with dissimilar properties. This amino acid position is conserved. In addition, this alteration is predicted to be tolerated by in silico analysis. Based on the available evidence, the clinical significance of this variant remains unclear.

Labcorp Genetics (formerly Invitae), Labcorp
Classification: Uncertain significance for Familial cancer of breast. Last evaluated: 2024-11-18. Review status: criteria provided, single submitter. Criteria: Invitae Variant Classification Sherloc (09022015). Collection method: clinical testing. Allele origin: germline.
Comment: This sequence change replaces glycine, which is neutral and non-polar, with valine, which is neutral and non-polar, at codon 257 of the PALB2 protein (p.Gly257Val). This variant is not present in population databases (gnomAD no frequency). This variant has not been reported in the literature in individuals affected with PALB2-related conditions. An algorithm developed to predict the effect of missense changes on protein structure and function (PolyPhen-2) suggests that this variant is likely to be tolerated. In summary, the available evidence is currently insufficient to determine the role of this variant in disease. Therefore, it has been classified as a Variant of Uncertain Significance.